The following is an entry in ClinVar:

ClinVar aggregate classification (germline): Uncertain significance (1 of 4 stars; one submission).

Submission:

Labcorp Genetics (formerly Invitae), Labcorp
Classification: Uncertain significance. Last evaluated: 2022-07-03. Review status: criteria provided, single submitter. Criteria: Invitae Variant Classification Sherloc (09022015). Collection method: clinical testing. Allele origin: germline.
Comment: In summary, the available evidence is currently insufficient to determine the role of this variant in disease. Therefore, it has been classified as a Variant of Uncertain Significance. This sequence change replaces glycine, which is neutral and non-polar, with arginine, which is basic and polar, at codon 801 of the CARMIL2 protein (p.Gly801Arg). This variant is not present in population databases (gnomAD no frequency). This variant has not been reported in the literature in individuals affected with CARMIL2-related conditions. Algorithms developed to predict the effect of missense changes on protein structure and function (SIFT, PolyPhen-2, Align-GVGD) all suggest that this variant is likely to be tolerated.

NM_001013838.3(CARMIL2):c.2401G>C (p.Gly801Arg)

Gene: CARMIL2 (capping protein regulator and myosin 1 linker 2; plus strand). Cytogenetic location: 16q22.1.
Variant type: single nucleotide variant.
Coding change: c.2401G>C on transcript NM_001013838.3 (MANE Select); coding-DNA position 2401, G replaced by C.
Protein change: p.Gly801Arg; replaces glycine 801 with arginine.
Molecular consequence: missense variant.
Genome position (GRCh38, 1-based): chr16:67,651,488, G>C. VCF-style: chr16-67651488-G-C. GRCh37 (hg19) VCF-style: chr16-67685391-G-C.
Other names: c.2293G>C, p.Gly765Arg (NM_001317026.3); short protein forms G765R, G801R.
Identifiers: ClinVar variation 2013458 (VCV002013458.4), dbSNP rs1239180595, ClinGen allele CA396340957.